The following is an entry in ClinVar:

ClinVar aggregate classification (germline): Uncertain significance (1 of 4 stars; one submission).

Conditions:
Kabuki syndrome. Also called: Kabuki make-up syndrome; NIIKAWA-KUROKI SYNDROME. Identifiers: Orphanet 2322, MedGen C0796004, MONDO:0016512.

Submission:

Labcorp Genetics (formerly Invitae), Labcorp
Classification: Uncertain significance for Kabuki syndrome. Last evaluated: 2025-01-13. Review status: criteria provided, single submitter. Criteria: Invitae Variant Classification Sherloc (09022015). Collection method: clinical testing. Allele origin: germline.
Comment: This sequence change replaces methionine, which is neutral and non-polar, with leucine, which is neutral and non-polar, at codon 716 of the KMT2D protein (p.Met716Leu). This variant is not present in population databases (gnomAD no frequency). This variant has not been reported in the literature in individuals affected with KMT2D-related conditions. ClinVar contains an entry for this variant (Variation ID: 2118594). Invitae Evidence Modeling of protein sequence and biophysical properties (such as structural, functional, and spatial information, amino acid conservation, physicochemical variation, residue mobility, and thermodynamic stability) indicates that this missense variant is not expected to disrupt KMT2D protein function with a negative predictive value of 95%. In summary, the available evidence is currently insufficient to determine the role of this variant in disease. Therefore, it has been classified as a Variant of Uncertain Significance.

NM_003482.4(KMT2D):c.2146A>T (p.Met716Leu)

Gene: KMT2D (lysine methyltransferase 2D; minus strand). Cytogenetic location: 12q13.12.
Variant type: single nucleotide variant.
Coding change: c.2146A>T on transcript NM_003482.4 (MANE Select); coding-DNA position 2146, A replaced by T.
Protein change: p.Met716Leu; replaces methionine 716 with leucine.
Molecular consequence: missense variant.
Genome position (GRCh38, 1-based): chr12:49,051,537, T>A on the plus strand (A>T on the coding strand, the complement: KMT2D is on the minus strand). VCF-style: chr12-49051537-T-A. GRCh37 (hg19) VCF-style: chr12-49445320-T-A.
Other names: short protein forms M716L.
Identifiers: ClinVar variation 2118594 (VCV002118594.4), dbSNP rs755473378, ClinGen allele CA384668205.